The following is an entry in ClinVar:

NM_001267550.2(TTN):c.30952G>A (p.Glu10318Lys)

Gene: TTN (titin; minus strand). Cytogenetic location: 2q31.2.
Variant type: single nucleotide variant.
Coding change: c.30952G>A on transcript NM_001267550.2 (MANE Select); coding-DNA position 30952, G replaced by A.
Protein change: p.Glu10318Lys; replaces glutamic acid 10318 with lysine.
Molecular consequence: missense variant. On other transcripts: intron variant (3).
Genome position (GRCh38, 1-based): chr2:178,696,120, C>T on the plus strand (G>A on the coding strand, the complement: TTN is on the minus strand). VCF-style: chr2-178696120-C-T. GRCh37 (hg19) VCF-style: chr2-179560847-C-T.
Other names: p.E9074K:GAA>AAA; c.30001G>A, p.Glu10001Lys (NM_001256850.1); c.27220G>A, p.Glu9074Lys (NM_133378.4); c.13282+41962G>A (NM_003319.4); c.13858+41962G>A (NM_133437.4); c.13657+41962G>A (NM_133432.3); short protein forms E10318K, E9074K, E10001K.
Identifiers: ClinVar variation 46844 (VCV000046844.43), dbSNP rs73038324, ClinGen allele CA283084.

ClinVar aggregate classification (germline): Benign/Likely benign. Review status: criteria provided, multiple submitters, no conflicts (2 of 4 stars). 27 submissions from 20 submitters: Benign (21); Likely benign (2). 4 of the submissions do not count toward it. Last evaluated 2026-02-03.

Conditions:
Dilated cardiomyopathy 1G (CMD1G). Identifiers: Orphanet 154, MedGen C1858763, MONDO:0011400, OMIM 604145.
Autosomal recessive limb-girdle muscular dystrophy type 2J (LGMDR10). Also called: MUSCULAR DYSTROPHY, LIMB-GIRDLE, AUTOSOMAL RECESSIVE 10; Limb-girdle muscular dystrophy, type 2J. Identifiers: Orphanet 140922, MedGen C1837342, MONDO:0012127, OMIM 608807.
Cardiovascular phenotype. Identifiers: MedGen CN230736.
Cardiomyopathy (CMYO). Also called: Cardiomyopathies. Identifiers: Orphanet 167848, MedGen C0878544, MONDO:0004994, HP:0001638. Inheritance: Various modes of inheritance.
Early-onset myopathy with fatal cardiomyopathy (CMYO5). Also called: CONGENITAL MYOPATHY 5 WITH CARDIOMYOPATHY; Salih Myopathy. Identifiers: Orphanet 289377, MedGen C2673677, MONDO:0012714, OMIM 611705. Disease mechanism: loss of function.
Myopathy, myofibrillar, 9, with early respiratory failure (MFM9). Also called: Myopathy, distal, with early respiratory failure, autosomal dominant; Hereditary myopathy with early respiratory failure; MYOPATHY, PROXIMAL, WITH EARLY RESPIRATORY MUSCLE INVOLVEMENT; EDSTROM MYOPATHY. Identifiers: Orphanet 178464, Orphanet 34521, MedGen C1863599, MONDO:0011362, OMIM 603689.
Tibial muscular dystrophy (TMD). Also called: Udd Distal Myopathy – Tibial Muscular Dystrophy; Tibial muscular dystrophy, tardive; UDD MYOPATHY. Identifiers: Orphanet 609, MedGen C1838244, MONDO:0010870, OMIM 600334.

Allele frequency attached by ClinVar (database versions not stated): ESP Exome Variant Server 0.03105; gnomAD 0.03407 and 0.03639; 1000 Genomes Project 0.03874; gnomAD exomes 0.00371 and 0.00775; ExAC 0.01456; TOPMed 0.03865; 1000 Genomes Project 30x 0.04201.
gnomAD v4.1: 10,606 of 1,551,666 alleles (0.68%); highest among the groups gnomAD compares: African/African-American, 12%; 559 homozygotes.

Submissions (27):

Labcorp Genetics (formerly Invitae), Labcorp
Classification: Benign for Dilated cardiomyopathy 1G; Autosomal recessive limb-girdle muscular dystrophy type 2J. Last evaluated: 2026-02-03. Review status: criteria provided, single submitter. Criteria: Invitae Variant Classification Sherloc (09022015). Collection method: clinical testing. Allele origin: germline.

Molecular Diagnostic Laboratory for Inherited Cardiovascular Disease, Montreal Heart Institute
Classification: Benign. Last evaluated: 2025-04-09. Review status: criteria provided, single submitter. Criteria: ACMG Guidelines, 2015. Collection method: clinical testing. Allele origin: germline. Affected: no.

Genetic Services Laboratory, University of Chicago
Classification: Benign. Last evaluated: 2022-01-07. Review status: criteria provided, single submitter. Criteria: ACMG Guidelines, 2015. Collection method: clinical testing. Allele origin: germline. Affected: no.

Genome-Nilou Lab
Classification: Benign for Autosomal recessive limb-girdle muscular dystrophy type 2J. Last evaluated: 2021-09-10. Review status: criteria provided, single submitter. Criteria: ACMG Guidelines, 2015. Collection method: clinical testing. Allele origin: germline. Affected: no.

Genome-Nilou Lab
Classification: Benign for Myopathy, myofibrillar, 9, with early respiratory failure. Last evaluated: 2021-09-10. Review status: criteria provided, single submitter. Criteria: ACMG Guidelines, 2015. Collection method: clinical testing. Allele origin: germline. Affected: no.

Genome-Nilou Lab
Classification: Benign for Early-onset myopathy with fatal cardiomyopathy. Last evaluated: 2021-09-10. Review status: criteria provided, single submitter. Criteria: ACMG Guidelines, 2015. Collection method: clinical testing. Allele origin: germline. Affected: no.

Genome-Nilou Lab
Classification: Benign for Tibial muscular dystrophy. Last evaluated: 2021-09-10. Review status: criteria provided, single submitter. Criteria: ACMG Guidelines, 2015. Collection method: clinical testing. Allele origin: germline. Affected: no.

Women's Health and Genetics/Laboratory Corporation of America, LabCorp
Classification: Likely benign. Last evaluated: 2020-10-17. Review status: criteria provided, single submitter. Criteria: LabCorp Variant Classification Summary - May 2015. Collection method: clinical testing. Allele origin: germline.

Mayo Clinic Laboratories, Mayo Clinic
Classification: Benign. Last evaluated: 2018-02-07. Review status: criteria provided, single submitter. Criteria: ACMG Guidelines, 2015. Collection method: clinical testing. Allele origin: germline. Observed: 74 variant alleles.

Illumina Laboratory Services, Illumina
Classification: Benign for Tibial muscular dystrophy. Last evaluated: 2018-01-12. Review status: criteria provided, single submitter. Criteria: ICSL Variant Classification Criteria 13 December 2019. Collection method: clinical testing. Allele origin: germline.
Comment: This variant was observed in the ICSL laboratory as part of a predisposition screen in an ostensibly healthy population. It had not been previously curated by ICSL or reported in the Human Gene Mutation Database (HGMD: prior to June 1st, 2018), and was therefore a candidate for classification through an automated scoring system. Utilizing variant allele frequency, disease prevalence and penetrance estimates, and inheritance mode, an automated score was calculated to assess if this variant is too frequent to cause the disease. Based on the score and internal cut-off values, a variant classified as benign is not then subjected to further curation. The score for this variant resulted in a classification of benign for this disease.

Illumina Laboratory Services, Illumina
Classification: Benign for Autosomal recessive limb-girdle muscular dystrophy type 2J. Last evaluated: 2018-01-12. Review status: criteria provided, single submitter. Criteria: ICSL Variant Classification Criteria 13 December 2019. Collection method: clinical testing. Allele origin: germline.
Comment: the same text as in the submission from Illumina Laboratory Services, Illumina above.

Illumina Laboratory Services, Illumina
Classification: Benign for Early-onset myopathy with fatal cardiomyopathy. Last evaluated: 2018-01-12. Review status: criteria provided, single submitter. Criteria: ICSL Variant Classification Criteria 13 December 2019. Collection method: clinical testing. Allele origin: germline.
Comment: the same text as in the submission from Illumina Laboratory Services, Illumina above.

Illumina Laboratory Services, Illumina
Classification: Benign for Myopathy, myofibrillar, 9, with early respiratory failure. Last evaluated: 2018-01-12. Review status: criteria provided, single submitter. Criteria: ICSL Variant Classification Criteria 13 December 2019. Collection method: clinical testing. Allele origin: germline.
Comment: the same text as in the submission from Illumina Laboratory Services, Illumina above.

Illumina Laboratory Services, Illumina
Classification: Benign for Dilated cardiomyopathy 1G. Last evaluated: 2018-01-12. Review status: criteria provided, single submitter. Criteria: ICSL Variant Classification Criteria 13 December 2019. Collection method: clinical testing. Allele origin: germline.
Comment: the same text as in the submission from Illumina Laboratory Services, Illumina above.

CHEO Genetics Diagnostic Laboratory, Children's Hospital of Eastern Ontario
Classification: Benign for Cardiomyopathy. Last evaluated: 2016-03-02. Review status: criteria provided, single submitter. Criteria: ACMG Guidelines, 2015. Collection method: clinical testing. Allele origin: germline. Study: Canadian Open Genetics Repository.

Athena Diagnostics
Classification: Benign. Last evaluated: 2015-05-06. Review status: criteria provided, single submitter. Criteria: Athena Diagnostics Criteria. Collection method: clinical testing. Allele origin: germline.

Eurofins Ntd Llc (ga)
Classification: Benign. Last evaluated: 2015-04-09. Review status: criteria provided, single submitter. Criteria: EGL Classification Definitions 2015. Collection method: clinical testing. Allele origin: germline. Observed: 9 variant alleles, 9 heterozygotes.

Biesecker Lab/Clinical Genomics Section, National Institutes of Health
Classification: Benign. Last evaluated: 2013-06-24. Review status: criteria provided, single submitter. Criteria: Ng et al. (Circ Cardiovasc Genet. 2013). Collection method: research. Allele origin: unknown. Observed: 8 variant alleles. Study: ClinSeq.
Comment: The study set was not selected for affection status in relation to any cancer. Pathogenicity categories were based on literature curation. See Pubmed ID:23861362 for details.

Medical sequencing

Ambry Genetics
Classification: Benign for Cardiovascular phenotype. Last evaluated: 2012-12-14. Review status: criteria provided, single submitter. Criteria: Ambry Autosomal Dominant and X-Linked criteria (10/2015). Collection method: clinical testing. Allele origin: germline. Observed: 1 variant allele.

GeneDx
Classification: Benign. Last evaluated: 2012-11-13. Review status: criteria provided, single submitter. Criteria: GeneDx Variant Classification (06012015). Collection method: clinical testing. Allele origin: germline. Affected: yes.
Comment: This variant is considered likely benign or benign based on one or more of the following criteria: it is a conservative change, it occurs at a poorly conserved position in the protein, it is predicted to be benign by multiple in silico algorithms, and/or has population frequency not consistent with disease.

Laboratory for Molecular Medicine, Mass General Brigham Personalized Medicine
Classification: Benign. Last evaluated: 2012-04-24. Review status: criteria provided, single submitter. Criteria: LMM Criteria. Collection method: clinical testing. Allele origin: germline. Observed: 57 variant alleles.
Comment: Glu9074Lys in exon 111 of TTN: This variant is not expected to have clinical sig nificance because it has been identified in 9.6% (276/2864) of African American chromosomes from a broad population by the NHLBI Exome Sequencing Project.

Breakthrough Genomics
Classification: Likely benign. Review status: criteria provided, single submitter. Criteria: ACMG Guidelines, 2015. Collection method: not provided. Allele origin: germline. Inheritance: Autosomal recessive inheritance. Affected: yes.

PreventionGenetics, part of Exact Sciences
Classification: Benign. Review status: criteria provided, single submitter. Criteria: ACMG Guidelines, 2015. Collection method: clinical testing. Allele origin: germline.

Clinical Genetics DNA and cytogenetics Diagnostics Lab, Erasmus MC, Erasmus Medical Center
Classification: Benign. Review status: no assertion criteria provided. Collection method: clinical testing. Allele origin: germline. Affected: yes. Study: VKGL Data-share Consensus. Not counted in ClinVar's aggregate classification.

Clinical Genetics, Academic Medical Center
Classification: Benign. Review status: no assertion criteria provided. Collection method: clinical testing. Allele origin: germline. Affected: yes. Study: VKGL Data-share Consensus. Not counted in ClinVar's aggregate classification.

Joint Genome Diagnostic Labs from Nijmegen and Maastricht, Radboudumc and MUMC+
Classification: Benign. Review status: no assertion criteria provided. Collection method: clinical testing. Allele origin: germline. Affected: yes. Study: VKGL Data-share Consensus. Not counted in ClinVar's aggregate classification.

Laboratory of Diagnostic Genome Analysis, Leiden University Medical Center (LUMC)
Classification: Likely benign. Review status: no assertion criteria provided. Collection method: clinical testing. Allele origin: germline. Affected: yes. Study: VKGL Data-share Consensus. Not counted in ClinVar's aggregate classification.